The following is an entry in ClinVar:

NM_002047.4(GARS1):c.350A>G (p.Asp117Gly)

Gene: GARS1 (glycyl-tRNA synthetase 1; plus strand). Cytogenetic location: 7p14.3.
Variant type: single nucleotide variant.
Coding change: c.350A>G on transcript NM_002047.4 (MANE Select); coding-DNA position 350, A replaced by G.
Protein change: p.Asp117Gly; replaces aspartic acid 117 with glycine.
Molecular consequence: missense variant.
Genome position (GRCh38, 1-based): chr7:30,599,972, A>G. VCF-style: chr7-30599972-A-G. GRCh37 (hg19) VCF-style: chr7-30639588-A-G.
Other names: c.188A>G, p.Asp63Gly (NM_001316772.1); short protein forms D63G, D117G.
Identifiers: ClinVar variation 3677396 (VCV003677396.2).

ClinVar aggregate classification (germline): Uncertain significance (1 of 4 stars; one submission).

Conditions:
Charcot-Marie-Tooth disease type 2. Also called: Charcot-Marie-Tooth type 2. Identifiers: Orphanet 64746, MedGen C0270914, MONDO:0018993.

Submission:

Labcorp Genetics (formerly Invitae), Labcorp
Classification: Uncertain significance for Charcot-Marie-Tooth disease type 2. Last evaluated: 2024-08-21. Review status: criteria provided, single submitter. Criteria: Invitae Variant Classification Sherloc (09022015). Collection method: clinical testing. Allele origin: germline.
Comment: This sequence change replaces aspartic acid, which is acidic and polar, with glycine, which is neutral and non-polar, at codon 117 of the GARS protein (p.Asp117Gly). This variant is not present in population databases (gnomAD no frequency). This variant has not been reported in the literature in individuals affected with GARS-related conditions. Invitae Evidence Modeling of protein sequence and biophysical properties (such as structural, functional, and spatial information, amino acid conservation, physicochemical variation, residue mobility, and thermodynamic stability) indicates that this missense variant is not expected to disrupt GARS protein function with a negative predictive value of 80%. In summary, the available evidence is currently insufficient to determine the role of this variant in disease. Therefore, it has been classified as a Variant of Uncertain Significance.